The following is an entry in ClinVar:

NM_003280.3(TNNC1):c.427AAC[1] (p.Asn144del)

Gene: TNNC1 (troponin C1, slow skeletal and cardiac type; minus strand). Cytogenetic location: 3p21.1.
Variant type: Microsatellite.
Coding change: c.427AAC[1] on transcript NM_003280.3 (MANE Select); one copy of the 3-base unit AAC starting at c.427; the reference has two copies in a row; one copy, 3 bases deleted.
Protein change: p.Asn144del; deletes asparagine 144.
Molecular consequence: inframe deletion.
Genome position (GRCh38, 1-based): chr3:52,451,413-52,451,415, GTT deleted on the plus strand (AAC on the coding strand, the reverse complement: TNNC1 is on the minus strand); deleting any 3 consecutive bases within chr3:52,451,413-52,451,418 gives the same sequence; the position shown is the placement nearest the transcript's 3' end. VCF-style (leftmost placement, unchanged base first): chr3-52451412-CGTT-C. GRCh37 (hg19) VCF-style: chr3-52485428-CGTT-C.
Other names: short protein forms N144del.
Identifiers: ClinVar variation 504180 (VCV000504180.4), dbSNP rs1553651630, ClinGen allele CA658796335.

ClinVar aggregate classification (germline): Uncertain significance. Review status: criteria provided, multiple submitters, no conflicts (2 of 4 stars). 2 submissions from 2 submitters: Uncertain significance (2). Last evaluated 2024-10-18.

Conditions:
Dilated cardiomyopathy 1Z (CMD1Z). Identifiers: Orphanet 154, MedGen C2678475, MONDO:0012745, OMIM 611879.
Hypertrophic cardiomyopathy 13. Also called: TNNC1-Related Familial Hypertrophic Cardiomyopathy. Identifiers: MedGen C2750472, MONDO:0013195, OMIM 613243.

Submissions (2):

Labcorp Genetics (formerly Invitae), Labcorp
Classification: Uncertain significance for Hypertrophic cardiomyopathy 13; Dilated cardiomyopathy 1Z. Last evaluated: 2024-10-18. Review status: criteria provided, single submitter. Criteria: Invitae Variant Classification Sherloc (09022015). Collection method: clinical testing. Allele origin: germline.
Comment: This variant, c.430_432del, results in the deletion of 1 amino acid(s) of the TNNC1 protein (p.Asn144del), but otherwise preserves the integrity of the reading frame. This variant is not present in population databases (gnomAD no frequency). This variant has not been reported in the literature in individuals affected with TNNC1-related conditions. ClinVar contains an entry for this variant (Variation ID: 504180). Experimental studies and prediction algorithms are not available or were not evaluated, and the functional significance of this variant is currently unknown. In summary, the available evidence is currently insufficient to determine the role of this variant in disease. Therefore, it has been classified as a Variant of Uncertain Significance.

GeneDx
Classification: Uncertain significance. Last evaluated: 2018-01-30. Review status: criteria provided, single submitter. Criteria: GeneDx Variant Classification (06012015). Collection method: clinical testing. Allele origin: germline. Affected: yes.
Comment: A variant of uncertain significance has been identified in the TNNC1 gene. The c.430_432delAAC variant has not been published as pathogenic or been reported as benign to our knowledge. This variant is not observed in large population cohorts (Lek et al., 2016). The c.430_432del AAC results in the deletion of a single amino acid residue, asparagine 144, and does not results in a shift in reading frame, an abnormal, truncated protein product, or loss of protein from this allele through nonsense-mediated mRNA decay. Nevertheless, in-silico analyses, including protein predictors and evolutionary conservation, support a deleterious effect.